The following is an entry in ClinVar:

ClinVar aggregate classification (germline): Conflicting classifications of pathogenicity. Review status: criteria provided, conflicting classifications (1 of 4 stars). 6 submissions from 6 submitters: Uncertain significance (4); Likely benign (2). Last evaluated 2025-10-09.

Conditions:
Vesicoureteral reflux 8 (VUR8). Identifiers: Orphanet 289365, MedGen C4014831, MONDO:0014422, OMIM 615963.
Cardiovascular phenotype. Identifiers: MedGen CN230736.

Allele frequency attached by ClinVar (database versions not stated): gnomAD 0.00009; ExAC 0.00011; TOPMed 0.00011; gnomAD exomes 0.00014; ESP Exome Variant Server 0.00026; 1000 Genomes Project 30x 0.00047; 1000 Genomes Project 0.00060.
gnomAD v4.1: 218 of 1,612,938 alleles (0.014%); highest among the groups gnomAD compares: Middle Eastern, 0.016%; no homozygotes.

Submissions (6):

Women's Health and Genetics/Laboratory Corporation of America, LabCorp
Classification: Uncertain significance. Last evaluated: 2025-10-09. Review status: criteria provided, single submitter. Criteria: LabCorp Variant Classification Summary - May 2015. Collection method: clinical testing. Allele origin: germline.
Comment: Variant summary: TNXB c.7889G>A (p.Arg2630His) results in a non-conservative amino acid change located in the Fibronectin type III domain (IPR003961) of the encoded protein sequence. Algorithms developed to predict the effect of missense changes on protein structure and function are either unavailable or do not agree on the potential impact of this missense change. The variant allele was found at a frequency of 0.00014 in 246048 control chromosomes. This frequency is not significantly higher than estimated for disease-causing variants in TNXB, allowing no conclusion about variant significance. To our knowledge, no occurrence of c.7889G>A in individuals affected with TNXB-related conditions and no experimental evidence demonstrating its impact on protein function have been reported. ClinVar contains an entry for this variant (Variation ID: 546996). Based on the evidence outlined above, the variant was classified as uncertain significance.

GeneDx
Classification: Uncertain significance. Last evaluated: 2025-08-19. Review status: criteria provided, single submitter. Criteria: GeneDx Variant Classification Process June 2021. Collection method: clinical testing. Allele origin: germline. Affected: yes.
Comment: Has not been previously published as pathogenic or benign to our knowledge; In silico analysis suggests that this missense variant does not alter protein structure/function

Ambry Genetics
Classification: Likely benign for Cardiovascular phenotype. Last evaluated: 2025-05-05. Review status: criteria provided, single submitter. Criteria: Ambry Variant Classification Scheme 2023. Collection method: clinical testing. Allele origin: germline.

CeGaT Center for Human Genetics Tuebingen
Classification: Likely benign. Last evaluated: 2023-11-01. Review status: criteria provided, single submitter. Criteria: CeGaT Center For Human Genetics Tuebingen Variant Classification Criteria Version 2. Collection method: clinical testing. Allele origin: germline. Affected: yes. Observed: 3 variant alleles.
Comment: TNXB: BP4, BS1

Revvity Omics, Revvity
Classification: Uncertain significance for Vesicoureteral reflux 8. Last evaluated: 2021-05-21. Review status: criteria provided, single submitter. Criteria: ACMG Guidelines, 2015. Collection method: clinical testing. Allele origin: germline.

Breakthrough Genomics
Classification: Uncertain significance. Review status: criteria provided, single submitter. Criteria: ACMG Guidelines, 2015. Collection method: not provided. Allele origin: germline. Inheritance: Autosomal recessive inheritance. Affected: yes.

NM_001365276.2(TNXB):c.7889G>A (p.Arg2630His)

Gene: TNXB (tenascin XB; minus strand). Cytogenetic location: 6p21.33.
Variant type: single nucleotide variant.
Coding change: c.7889G>A on transcript NM_001365276.2 (MANE Select); coding-DNA position 7889, G replaced by A.
Protein change: p.Arg2630His; replaces arginine 2630 with histidine.
Molecular consequence: missense variant.
Genome position (GRCh38, 1-based): chr6:32,056,840, C>T on the plus strand (G>A on the coding strand, the complement: TNXB is on the minus strand). VCF-style: chr6-32056840-C-T. GRCh37 (hg19) VCF-style: chr6-32024617-C-T.
Other names: c.7889G>A, p.Arg2630His (NM_019105.8); short protein forms R2630H.
Identifiers: ClinVar variation 546996 (VCV000546996.53), dbSNP rs374865424, ClinGen allele CA3734013.